The following is an entry in ClinVar:

NM_015378.4(VPS13D):c.1672C>T (p.Arg558Ter)

Gene: VPS13D (vacuolar protein sorting 13 homolog D; plus strand). Cytogenetic location: 1p36.22.
Variant type: single nucleotide variant.
Coding change: c.1672C>T on transcript NM_015378.4 (MANE Select); coding-DNA position 1672, C replaced by T.
Protein change: p.Arg558Ter; replaces arginine 558 with a stop codon.
Molecular consequence: nonsense.
Genome position (GRCh38, 1-based): chr1:12,266,958, C>T. VCF-style: chr1-12266958-C-T. GRCh37 (hg19) VCF-style: chr1-12327015-C-T.
Other names: c.1672C>T, p.Arg558Ter (NM_018156.4); short protein forms R558*.
Identifiers: ClinVar variation 3684343 (VCV003684343.2).

ClinVar aggregate classification (germline): Pathogenic (1 of 4 stars; one submission).

gnomAD v4.1: 5 of 1,610,884 alleles (0.00031%); highest among the groups gnomAD compares: Non-Finnish European, 0.00042%; no homozygotes.

Submission:

Labcorp Genetics (formerly Invitae), Labcorp
Classification: Pathogenic. Last evaluated: 2025-01-20. Review status: criteria provided, single submitter. Criteria: Invitae Variant Classification Sherloc (09022015). Collection method: clinical testing. Allele origin: germline.
Comment: This sequence change creates a premature translational stop signal (p.Arg558*) in the VPS13D gene. It is expected to result in an absent or disrupted protein product. Loss-of-function variants in VPS13D are known to be pathogenic (PMID: 29518281). This variant is not present in population databases (gnomAD no frequency). This variant has not been reported in the literature in individuals affected with VPS13D-related conditions. For these reasons, this variant has been classified as Pathogenic.

Literature cited by the submitters: PubMed 29518281.